The following is an entry in ClinVar:

NM_006949.4(STXBP2):c.784G>A (p.Asp262Asn)

Gene: STXBP2 (syntaxin binding protein 2; plus strand). Cytogenetic location: 19p13.2.
Variant type: single nucleotide variant.
Coding change: c.784G>A on transcript NM_006949.4 (MANE Select); coding-DNA position 784, G replaced by A.
Protein change: p.Asp262Asn; replaces aspartic acid 262 with asparagine.
Molecular consequence: missense variant. On other transcripts: non-coding transcript variant (1).
Genome position (GRCh38, 1-based): chr19:7,642,323, G>A. VCF-style: chr19-7642323-G-A. GRCh37 (hg19) VCF-style: chr19-7707209-G-A.
Other names: c.775G>A, p.Asp259Asn (NM_001127396.3); c.817G>A, p.Asp273Asn (NM_001272034.2); c.784G>A (NM_006949.2); short protein forms D262N, D273N, D259N.
Identifiers: ClinVar variation 581352 (VCV000581352.7), dbSNP rs749059785, ClinGen allele CA9143786.
Genomic context (GRCh38, chr19:7,642,323, plus strand): 5'-CCACTACTGCATGAGCTCACGTTCCAGGCCATGGCGTATGATCTGCTGGACATAGAGCAG[G>A]ACACATACAGGTCTGCAGACTTGGAACCCGTCCCCACCCTTGCCACTGACCTGGTTCCCC-3'
Protein context (NP_008880.2, residues 252-272): MAYDLLDIEQ[Asp262Asn]TYRYETTGLS

ClinVar aggregate classification (germline): Uncertain significance. Review status: criteria provided, multiple submitters, no conflicts (2 of 4 stars). 2 submissions from 2 submitters: Uncertain significance (2). Last evaluated 2022-07-11.

Conditions:
Inborn genetic diseases. Identifiers: MedGen C0950123, MeSH D030342.
Familial hemophagocytic lymphohistiocytosis 5. Also called: STXBP2-Related Familial Hemophagocytic Lymphohistiocytosis (STXBP2-fHLH). Identifiers: Orphanet 540, MedGen C2751293, MONDO:0013135, OMIM 613101.

Allele frequency attached by ClinVar (database versions not stated): TOPMed 0.00001; ExAC 0.00001; gnomAD 0.00001; gnomAD exomes 0.00001.
gnomAD v4.1: 12 of 1,613,890 alleles (0.00074%); highest among the groups gnomAD compares: Admixed American, 0.0033%; no homozygotes.

Submissions (2):

Labcorp Genetics (formerly Invitae), Labcorp
Classification: Uncertain significance for Familial hemophagocytic lymphohistiocytosis 5. Last evaluated: 2022-07-11. Review status: criteria provided, single submitter. Criteria: Invitae Variant Classification Sherloc (09022015). Collection method: clinical testing. Allele origin: germline.
Comment: This sequence change replaces aspartic acid, which is acidic and polar, with asparagine, which is neutral and polar, at codon 262 of the STXBP2 protein (p.Asp262Asn). This variant is present in population databases (rs749059785, gnomAD 0.002%). This variant has not been reported in the literature in individuals affected with STXBP2-related conditions. ClinVar contains an entry for this variant (Variation ID: 581352). Algorithms developed to predict the effect of missense changes on protein structure and function are either unavailable or do not agree on the potential impact of this missense change (SIFT: "Deleterious"; PolyPhen-2: "Probably Damaging"; Align-GVGD: "Class C0"). In summary, the available evidence is currently insufficient to determine the role of this variant in disease. Therefore, it has been classified as a Variant of Uncertain Significance.

Ambry Genetics
Classification: Uncertain significance for Inborn genetic diseases. Last evaluated: 2021-08-17. Review status: criteria provided, single submitter. Criteria: Ambry Variant Classification Scheme 2023. Collection method: clinical testing. Allele origin: germline.